The following is an entry in ClinVar:

NM_013275.6(ANKRD11):c.3781G>C (p.Asp1261His)

Gene: ANKRD11 (ankyrin repeat domain containing 11; minus strand). Cytogenetic location: 16q24.3.
Variant type: single nucleotide variant.
Coding change: c.3781G>C on transcript NM_013275.6 (MANE Select); coding-DNA position 3781, G replaced by C.
Protein change: p.Asp1261His; replaces aspartic acid 1261 with histidine.
Molecular consequence: missense variant.
Genome position (GRCh38, 1-based): chr16:89,282,761, C>G on the plus strand (G>C on the coding strand, the complement: ANKRD11 is on the minus strand). VCF-style: chr16-89282761-C-G. GRCh37 (hg19) VCF-style: chr16-89349169-C-G.
Other names: c.3781G>C, p.Asp1261His (NM_001256182.2, NM_001256183.2); short protein forms D1261H.
Identifiers: ClinVar variation 1734854 (VCV001734854.2), dbSNP rs2034366344, ClinGen allele CA397159016.
Genomic context (GRCh38, chr16:89,282,761, plus strand): 5'-GCAGGCTTTTTTCCGCGTCGGCACTTCTCGAGGACTTCCTCTCCTTGGAATGTTCTTTGT[C>G]CGACTTCTCTTTGTGTTTGCTTTTAGCCTTGTCTTCGGCAGCGTGCTTCTTTTCAGCCTT-3'
Protein context (NP_037407.4, residues 1251-1271): KAKSKHKEKS[Asp1261His]KEHSKERKSS

ClinVar aggregate classification (germline): Uncertain significance (1 of 4 stars; one submission).

Conditions:
Inborn genetic diseases. Identifiers: MedGen C0950123, MeSH D030342.

gnomAD v4.1: 1 of 1,613,214 alleles (0.000062%); highest among the groups gnomAD compares: Admixed American, 0.0017%; no homozygotes.

Submission:

Ambry Genetics
Classification: Uncertain significance for Inborn genetic diseases. Last evaluated: 2018-03-10. Review status: criteria provided, single submitter. Criteria: Ambry Variant Classification Scheme 2023. Collection method: clinical testing. Allele origin: germline.
Comment: The p.D1261H variant (also known as c.3781G>C), located in coding exon 7 of the ANKRD11 gene, results from a G to C substitution at nucleotide position 3781. The aspartic acid at codon 1261 is replaced by histidine, an amino acid with similar properties. This amino acid position is not well conserved in available vertebrate species. In addition, this alteration is predicted to be tolerated by in silico analysis. Since supporting evidence is limited at this time, the clinical significance of this alteration remains unclear.